The following is an entry in ClinVar:

ClinVar aggregate classification (germline): Uncertain significance (1 of 4 stars; one submission).

Submission:

GeneDx
Classification: Uncertain significance. Last evaluated: 2026-03-16. Review status: criteria provided, single submitter. Criteria: GeneDx Variant Classification Process June 2021. Collection method: clinical testing. Allele origin: germline.
Comment: Not observed at significant frequency in large population cohorts (gnomAD); In silico analysis supports that this missense variant has a deleterious effect on protein structure/function; Has not been previously published as pathogenic or benign to our knowledge

NM_017617.5(NOTCH1):c.1970A>T (p.Asp657Val)

Gene: NOTCH1 (notch receptor 1; minus strand). Cytogenetic location: 9q34.3.
Variant type: single nucleotide variant.
Coding change: c.1970A>T on transcript NM_017617.5 (MANE Select); coding-DNA position 1970, A replaced by T.
Protein change: p.Asp657Val; replaces aspartic acid 657 with valine.
Molecular consequence: missense variant.
Genome position (GRCh38, 1-based): chr9:136,515,334, T>A on the plus strand (A>T on the coding strand, the complement: NOTCH1 is on the minus strand). VCF-style: chr9-136515334-T-A. GRCh37 (hg19) VCF-style: chr9-139409786-T-A.
Other names: short protein forms D657V.
Identifiers: ClinVar variation 5008757 (VCV005008757.1).
Genomic context (GRCh38, chr9:136,515,334, plus strand): 5'-GTGCAGGGCCGCTCACCTGTGTAGCCCGGCTCACAGGCACACTCGTAGCCATCGATCTTG[T>A]CCAGACAGGTGCCCGAGTCGCAGGGGCTGCTGGCACAGTCATCCAGGTTGATCTCGCAGT-3'
Protein context (NP_060087.3, residues 647-667): SSPCDSGTCL[Asp657Val]KIDGYECACE